The following is an entry in ClinVar:

NM_198576.4(AGRN):c.3501del (p.Ser1168fs)

Gene: AGRN (agrin; plus strand). Cytogenetic location: 1p36.33.
Variant type: Deletion.
Coding change: c.3501del on transcript NM_198576.4 (MANE Select); coding-DNA position 3501, one base deleted (G; older notation c.3501delG).
Protein change: p.Ser1168fs; shifts the reading frame from serine 1168.
Molecular consequence: frameshift variant.
Genome position (GRCh38, 1-based): chr1:1,047,439, G deleted; the last of 2 consecutive G bases (chr1:1,047,438-1,047,439); deleting either gives the same sequence. VCF-style (leftmost placement, unchanged base first): chr1-1047437-AG-A. GRCh37 (hg19) VCF-style: chr1-982817-AG-A.
Other names: c.3501del, p.Ser1168fs (NM_001305275.2); c.3186del, p.Ser1063fs (NM_001364727.2); short protein forms S1063fs, S1168fs.
Identifiers: ClinVar variation 5019113 (VCV005019113.2).

ClinVar aggregate classification (germline): Likely pathogenic (1 of 4 stars; one submission).

Conditions:
Congenital myasthenic syndrome 8. Also called: MYASTHENIC SYNDROME, CONGENITAL, DUE TO AGRIN DEFICIENCY; Myasthenic syndrome, congenital, 8, with pre- and postsynaptic defects. Identifiers: Orphanet 590, MedGen C3808739, MONDO:0014052, OMIM 615120.

Submission:

Juno Genomics, Hangzhou Juno Genomics, Inc
Classification: Likely pathogenic for Congenital myasthenic syndrome 8. Review status: criteria provided, single submitter. Criteria: ACMG Guidelines, 2015. Collection method: clinical testing. Allele origin: germline.
Comment: Absent from controls (or at extremely low frequency if recessive) in Genome Aggregation Database.;Null variant in a gene where loss of function (LOF) is a known mechanism of disease.